The following is an entry in ClinVar:

NM_001042492.3(NF1):c.5033A>C (p.Tyr1678Ser)

Gene: NF1 (neurofibromin 1; plus strand). Cytogenetic location: 17q11.2.
Variant type: single nucleotide variant.
Coding change: c.5033A>C on transcript NM_001042492.3 (MANE Select); coding-DNA position 5033, A replaced by C.
Protein change: p.Tyr1678Ser; replaces tyrosine 1678 with serine.
Molecular consequence: missense variant.
Genome position (GRCh38, 1-based): chr17:31,326,017, A>C. VCF-style: chr17-31326017-A-C. GRCh37 (hg19) VCF-style: chr17-29653035-A-C.
Other names: c.4970A>C, p.Tyr1657Ser (NM_000267.4); short protein forms Y1657S, Y1678S.
Identifiers: ClinVar variation 825335 (VCV000825335.47), dbSNP rs1555533347, ClinGen allele CA399007357.

ClinVar aggregate classification (germline): Conflicting classifications of pathogenicity. Review status: criteria provided, conflicting classifications (1 of 4 stars). 4 submissions from 4 submitters: Likely pathogenic (2); Uncertain significance (2). Last evaluated 2024-01-30.

Conditions:
Hereditary cancer-predisposing syndrome. Also called: Tumor predisposition; Hereditary neoplastic syndrome; Neoplastic Syndromes, Hereditary; Hereditary Cancer Syndrome. Identifiers: Orphanet 140162, MedGen C0027672, MeSH D009386, MONDO:0015356.
Cardiovascular phenotype. Identifiers: MedGen CN230736.
Neurofibromatosis, type 1 (NF1). Also called: NEUROFIBROMATOSIS, TYPE I, SOMATIC; Peripheral type neurofibromatosis; Neurofibromatosis, type I; VON RECKLINGHAUSEN DISEASE. Identifiers: Orphanet 636, MedGen C0027831, MONDO:0018975, OMIM 162200. Disease mechanism: loss of function.

Submissions (4):

GeneDx
Classification: Uncertain significance. Last evaluated: 2024-01-30. Review status: criteria provided, single submitter. Criteria: GeneDx Variant Classification Process June 2021. Collection method: clinical testing. Allele origin: germline. Affected: yes.
Comment: Not observed at significant frequency in large population cohorts (gnomAD); In silico analysis supports that this missense variant has a deleterious effect on protein structure/function; Has not been previously published as pathogenic or benign to our knowledge

Labcorp Genetics (formerly Invitae), Labcorp
Classification: Likely pathogenic for Neurofibromatosis, type 1. Last evaluated: 2023-03-19. Review status: criteria provided, single submitter. Criteria: Invitae Variant Classification Sherloc (09022015). Collection method: clinical testing. Allele origin: germline.
Comment: This sequence change replaces tyrosine, which is neutral and polar, with serine, which is neutral and polar, at codon 1657 of the NF1 protein (p.Tyr1657Ser). This variant is not present in population databases (gnomAD no frequency). This variant has not been reported in the literature in individuals affected with NF1-related conditions. ClinVar contains an entry for this variant (Variation ID: 825335). Advanced modeling of protein sequence and biophysical properties (such as structural, functional, and spatial information, amino acid conservation, physicochemical variation, residue mobility, and thermodynamic stability) performed at Invitae indicates that this missense variant is expected to disrupt NF1 protein function. This variant disrupts the p.Tyr1657 amino acid residue in NF1. Other variant(s) that disrupt this residue have been determined to be pathogenic (PMID: 23832011; Invitae). This suggests that this residue is clinically significant, and that variants that disrupt this residue are likely to be disease-causing. In summary, the currently available evidence indicates that the variant is pathogenic, but additional data are needed to prove that conclusively. Therefore, this variant has been classified as Likely Pathogenic.

CeGaT Center for Human Genetics Tuebingen
Classification: Likely pathogenic. Last evaluated: 2020-02-01. Review status: criteria provided, single submitter. Criteria: CeGaT Center For Human Genetics Tuebingen Variant Classification Criteria Version 2. Collection method: clinical testing. Allele origin: germline. Affected: yes. Observed: 2 variant alleles.

Ambry Genetics
Classification: Uncertain significance for Cardiovascular phenotype; Hereditary cancer-predisposing syndrome. Last evaluated: 2019-05-08. Review status: criteria provided, single submitter. Criteria: Ambry Variant Classification Scheme 2023. Collection method: clinical testing. Allele origin: germline.
Comment: The p.Y1657S variant (also known as c.4970A>C), located in coding exon 36 of the NF1 gene, results from an A to C substitution at nucleotide position 4970. The tyrosine at codon 1657 is replaced by serine, an amino acid with dissimilar properties. This amino acid position is not well conserved in available vertebrate species. In addition, this alteration is predicted to be deleterious by in silico analysis. Since supporting evidence is limited at this time, the clinical significance of this alteration remains unclear.

Literature cited by the submitters: PubMed 23832011 (cited by Labcorp Genetics (formerly Invitae), Labcorp).